The following is an entry in ClinVar:

NM_017635.5(KMT5B):c.856C>T (p.Arg286Ter)

Gene: KMT5B (lysine methyltransferase 5B; minus strand). Cytogenetic location: 11q13.2.
Variant type: single nucleotide variant.
Coding change: c.856C>T on transcript NM_017635.5 (MANE Select); coding-DNA position 856, C replaced by T.
Protein change: p.Arg286Ter; replaces arginine 286 with a stop codon.
Molecular consequence: nonsense. On other transcripts: non-coding transcript variant (3).
Genome position (GRCh38, 1-based): chr11:68,171,136, G>A on the plus strand (C>T on the coding strand, the complement: KMT5B is on the minus strand). VCF-style: chr11-68171136-G-A. GRCh37 (hg19) VCF-style: chr11-67938603-G-A.
Other names: c.340C>T, p.Arg114Ter (NM_001300907.1, NM_001369428.1, NM_001369429.1 and 5 more transcripts); c.136C>T, p.Arg46Ter (NM_001300908.2); c.787C>T, p.Arg263Ter (NM_001300909.2); c.856C>T, p.Arg286Ter (NM_001363566.2, NM_001369427.1, NM_001369426.1 and 1 more transcripts); c.643C>T, p.Arg215Ter (NM_001369425.1); short protein forms R114*, R263*, R215*, R286*, R46*.
Identifiers: ClinVar variation 666575 (VCV000666575.7), dbSNP rs1590954686, ClinGen allele CA381604992.

ClinVar aggregate classification (germline): Pathogenic. Review status: criteria provided, multiple submitters, no conflicts (2 of 4 stars). 4 submissions from 4 submitters: Pathogenic (4). Last evaluated 2024-09-11.

Conditions:
Intellectual developmental disorder, autosomal dominant 51. Also called: MENTAL RETARDATION, AUTOSOMAL DOMINANT 51; Intellectual disability, autosomal dominant 51. Identifiers: Orphanet 684226, MedGen C4540474, MONDO:0030917, OMIM 617788.
KMT5B-related disorder. Also called: KMT5B-related condition.

gnomAD v4.1: 1 of 1,609,846 alleles (0.000062%); highest among the groups gnomAD compares: Non-Finnish European, 0.000085%; no homozygotes.

Submissions (4):

Revvity Omics, Revvity
Classification: Pathogenic for Intellectual developmental disorder, autosomal dominant 51. Last evaluated: 2024-09-11. Review status: criteria provided, single submitter. Criteria: ACMG Guidelines, 2015. Collection method: clinical testing. Allele origin: germline.

GeneDx
Classification: Pathogenic. Last evaluated: 2024-04-23. Review status: criteria provided, single submitter. Criteria: GeneDx Variant Classification Process June 2021. Collection method: clinical testing. Allele origin: germline. Affected: yes.
Comment: Nonsense variant predicted to result in protein truncation or nonsense mediated decay in a gene for which loss of function is a known mechanism of disease; Not observed at significant frequency in large population cohorts (gnomAD); This variant is associated with the following publications: (PMID: 35331928, 35982159, 33057194, 36897941)

Blueprint Genetics
Classification: Pathogenic for KMT5B-related disorders. Last evaluated: 2020-03-04. Review status: criteria provided, single submitter. Criteria: ACMG Guidelines, 2015. Collection method: clinical testing. Allele origin: de novo. Affected: yes. Observed: 1 variant allele.

Equipe Genetique des Anomalies du Developpement, Université de Bourgogne
Classification: Pathogenic for Intellectual developmental disorder, autosomal dominant 51. Last evaluated: 2018-06-12. Review status: criteria provided, single submitter. Criteria: ACMG Guidelines, 2015. Collection method: clinical testing. Allele origin: de novo. Affected: yes.